The following is an entry in ClinVar:

NM_025103.4(IFT74):c.1192G>C (p.Glu398Gln)

Gene: IFT74 (intraflagellar transport 74; plus strand). Cytogenetic location: 9p21.2.
Variant type: single nucleotide variant.
Coding change: c.1192G>C on transcript NM_025103.4 (MANE Select); coding-DNA position 1192, G replaced by C.
Protein change: p.Glu398Gln; replaces glutamic acid 398 with glutamine.
Molecular consequence: missense variant.
Genome position (GRCh38, 1-based): chr9:27,047,357, G>C. VCF-style: chr9-27047357-G-C. GRCh37 (hg19) VCF-style: chr9-27047355-G-C.
Other names: c.1192G>C, p.Glu398Gln (NM_001099222.3, NM_001099223.3, NM_001349928.2); short protein forms E398Q.
Identifiers: ClinVar variation 4977903 (VCV004977903.1).

ClinVar aggregate classification (germline): Uncertain significance (1 of 4 stars; one submission).

Conditions:
IFT74-related disorder. Also called: IFT74-related condition; IFT74-Related Disorders.

Submission:

PreventionGenetics, part of Exact Sciences
Classification: Uncertain significance for IFT74-related condition. Last evaluated: 2025-01-30. Review status: criteria provided, single submitter. Criteria: ACMG Guidelines, 2015. Collection method: clinical testing. Allele origin: germline.
Comment: The IFT74 c.1192G>C variant is predicted to result in the amino acid substitution p.Glu398Gln. To our knowledge, this variant has not been reported in the literature or in a large population database (gnomAD), indicating this variant is rare. At this time, the clinical significance of this variant is uncertain due to the absence of conclusive functional and genetic evidence.